The following is an entry in ClinVar:

NM_170606.3(KMT2C):c.1334C>T (p.Ser445Phe)

Gene: KMT2C (lysine methyltransferase 2C; minus strand). Cytogenetic location: 7q36.1.
Variant type: single nucleotide variant.
Coding change: c.1334C>T on transcript NM_170606.3 (MANE Select); coding-DNA position 1334, C replaced by T.
Protein change: p.Ser445Phe; replaces serine 445 with phenylalanine.
Molecular consequence: missense variant.
Genome position (GRCh38, 1-based): chr7:152,252,681, G>A on the plus strand (C>T on the coding strand, the complement: KMT2C is on the minus strand). VCF-style: chr7-152252681-G-A. GRCh37 (hg19) VCF-style: chr7-151949766-G-A.
Other names: short protein forms S445F.
Identifiers: ClinVar variation 3730885 (VCV003730885.2).

ClinVar aggregate classification (germline): Uncertain significance (1 of 4 stars; one submission).

Submission:

GeneDx
Classification: Uncertain significance. Last evaluated: 2026-07-22. Review status: criteria provided, single submitter. Criteria: GeneDx Variant Classification Process June 2021. Collection method: clinical testing. Allele origin: germline.
Comment: Not observed at significant frequency in large population cohorts (gnomAD); In silico analysis supports that this missense variant has a deleterious effect on protein structure/function; Has not been previously published as pathogenic or benign to our knowledge